The following is an entry in ClinVar:

ClinVar aggregate classification (germline): Likely pathogenic (1 of 4 stars; one submission).

Conditions:
Retinitis pigmentosa 47 (RP47). Identifiers: Orphanet 791, MedGen C3151061, MONDO:0013407, OMIM 613758.
Oguchi disease-1. Also called: Congenital stationary night blindness Oguchi type 1. Identifiers: MedGen C4551824, MONDO:0009775, OMIM 258100.

Submission:

First Genomix Gene Laboratory, Genetic Diagnostics Department
Classification: Likely pathogenic for Oguchi disease-1; Retinitis pigmentosa 47. Last evaluated: 2025-08-07. Review status: criteria provided, single submitter. Criteria: ACMG Guidelines, 2015. Collection method: clinical testing. Allele origin: germline. Inheritance: Autosomal recessive inheritance. Affected: no. Observed: 1 variant allele.

NM_000541.5(SAG):c.1102+2T>C

Gene: SAG (S-antigen visual arrestin; plus strand). Cytogenetic location: 2q37.1.
Variant type: single nucleotide variant.
Coding change: c.1102+2T>C on transcript NM_000541.5 (MANE Select); the canonical splice donor site of the intron after coding-DNA position 1102, T replaced by C.
Molecular consequence: splice donor variant.
Genome position (GRCh38, 1-based): chr2:233,342,328, T>C. VCF-style: chr2-233342328-T-C. GRCh37 (hg19) VCF-style: chr2-234250974-T-C.
Identifiers: ClinVar variation 4850598 (VCV004850598.1).